The following is an entry in ClinVar:

ClinVar aggregate classification (germline): Uncertain significance (1 of 4 stars; one submission).

Conditions:
Autosomal recessive early-onset Parkinson disease 6 (PARK6). Also called: PINK1-Related Parkinson Disease; PARKINSON DISEASE 6, MODIFIER OF; PARKINSON DISEASE 6, EARLY-ONSET; PINK1 Type of Young-Onset Parkinson Disease. Identifiers: Orphanet 2828, MedGen C1853833, MONDO:0011613, OMIM 605909.

gnomAD v4.1: 34 of 1,614,014 alleles (0.0021%); highest among the groups gnomAD compares: Non-Finnish European, 0.0028%; no homozygotes.

Submission:

Labcorp Genetics (formerly Invitae), Labcorp
Classification: Uncertain significance for Autosomal recessive early-onset Parkinson disease 6. Last evaluated: 2022-06-30. Review status: criteria provided, single submitter. Criteria: Invitae Variant Classification Sherloc (09022015). Collection method: clinical testing. Allele origin: germline.
Comment: In summary, the available evidence is currently insufficient to determine the role of this variant in disease. Therefore, it has been classified as a Variant of Uncertain Significance. Algorithms developed to predict the effect of missense changes on protein structure and function output the following: SIFT: "Tolerated"; PolyPhen-2: "Benign"; Align-GVGD: "Class C0". The arginine amino acid residue is found in multiple mammalian species, which suggests that this missense change does not adversely affect protein function. This variant has not been reported in the literature in individuals affected with PINK1-related conditions. This variant is present in population databases (rs781745700, gnomAD 0.002%). This sequence change replaces proline, which is neutral and non-polar, with arginine, which is basic and polar, at codon 138 of the PINK1 protein (p.Pro138Arg).

NM_032409.3(PINK1):c.413C>G (p.Pro138Arg)

Gene: PINK1 (PTEN induced kinase 1; plus strand). Cytogenetic location: 1p36.12.
Variant type: single nucleotide variant.
Coding change: c.413C>G on transcript NM_032409.3 (MANE Select); coding-DNA position 413, C replaced by G.
Protein change: p.Pro138Arg; replaces proline 138 with arginine.
Molecular consequence: missense variant.
Genome position (GRCh38, 1-based): chr1:20,637,867, C>G. VCF-style: chr1-20637867-C-G. GRCh37 (hg19) VCF-style: chr1-20964360-C-G.
Other names: short protein forms P138R.
Identifiers: ClinVar variation 2064711 (VCV002064711.4), dbSNP rs781745700, ClinGen allele CA660419.